The following is an entry in ClinVar:

ClinVar aggregate classification (germline): Likely pathogenic (1 of 4 stars; one submission).

Conditions:
Gorlin syndrome. Also called: Nevoid Basal Cell Carcinoma Syndrome; Basal cell nevus syndrome. Identifiers: Orphanet 377, MedGen C0004779, MONDO:0007187.
Medulloblastoma (MDB). Also called: Medulloblastoma, somatic; MEDULLOBLASTOMA PREDISPOSITION SYNDROME. Identifiers: Orphanet 616, MedGen C0025149, MeSH D008527, MONDO:0007959, OMIM 155255, HP:0002885.

Submission:

Labcorp Genetics (formerly Invitae), Labcorp
Classification: Likely pathogenic for Gorlin syndrome; Medulloblastoma. Last evaluated: 2024-03-06. Review status: criteria provided, single submitter. Criteria: Invitae Variant Classification Sherloc (09022015). Collection method: clinical testing. Allele origin: germline.
Comment: This sequence change affects a donor splice site in intron 11 of the SUFU gene. RNA analysis indicates that disruption of this splice site induces altered splicing and likely results in a shortened protein product. This variant is not present in population databases (gnomAD no frequency). Disruption of this splice site has been observed in individuals with clinical features of Gorlin syndrome (PMID: 29356994; Invitae). Variants that disrupt the consensus splice site are a relatively common cause of aberrant splicing (PMID: 17576681, 9536098). Studies have shown that disruption of this splice site results in skipping of exon 11, but is expected to preserve the integrity of the reading-frame (PMID: 29356994). In summary, the currently available evidence indicates that the variant is pathogenic, but additional data are needed to prove that conclusively. Therefore, this variant has been classified as Likely Pathogenic.

Literature cited by the submitters: PubMed 29356994; PubMed 17576681; PubMed 9536098.

NM_016169.4(SUFU):c.1365+2T>G

Gene: SUFU (SUFU negative regulator of hedgehog signaling; plus strand). Cytogenetic location: 10q24.32.
Variant type: single nucleotide variant.
Coding change: c.1365+2T>G on transcript NM_016169.4 (MANE Select); the canonical splice donor site of the intron after coding-DNA position 1365, T replaced by G.
Molecular consequence: splice donor variant.
Genome position (GRCh38, 1-based): chr10:102,627,245, T>G. VCF-style: chr10-102627245-T-G. GRCh37 (hg19) VCF-style: chr10-104387002-T-G.
Identifiers: ClinVar variation 3755144 (VCV003755144.2).